The following is an entry in ClinVar:

ClinVar aggregate classification (germline): Uncertain significance (1 of 4 stars; one submission).

Allele frequency attached by ClinVar (database versions not stated): TOPMed below 0.00001; gnomAD 0.00001; gnomAD exomes 0.00004 and 0.00010; ExAC 0.00012; 1000 Genomes Project 30x 0.00016; 1000 Genomes Project 0.00020.
gnomAD v4.1: 56 of 1,613,986 alleles (0.0035%); highest among the groups gnomAD compares: South Asian, 0.057%; 2 homozygotes.

Submission:

Labcorp Genetics (formerly Invitae), Labcorp
Classification: Uncertain significance. Last evaluated: 2021-08-26. Review status: criteria provided, single submitter. Criteria: Invitae Variant Classification Sherloc (09022015). Collection method: clinical testing. Allele origin: germline.
Comment: This sequence change replaces alanine with glycine at codon 332 of the ARSG protein (p.Ala332Gly). The alanine residue is highly conserved and there is a small physicochemical difference between alanine and glycine. This variant is present in population databases (rs559442588, ExAC 0.08%). This variant has not been reported in the literature in individuals affected with ARSG-related conditions. Algorithms developed to predict the effect of missense changes on protein structure and function (SIFT, PolyPhen-2, Align-GVGD) all suggest that this variant is likely to be tolerated. In summary, the available evidence is currently insufficient to determine the role of this variant in disease. Therefore, it has been classified as a Variant of Uncertain Significance.

NM_001267727.2(ARSG):c.995C>G (p.Ala332Gly)

Gene: ARSG (arylsulfatase G; plus strand). Cytogenetic location: 17q24.2.
Variant type: single nucleotide variant.
Coding change: c.995C>G on transcript NM_001267727.2 (MANE Select); coding-DNA position 995, C replaced by G.
Protein change: p.Ala332Gly; replaces alanine 332 with glycine.
Molecular consequence: missense variant.
Genome position (GRCh38, 1-based): chr17:68,385,076, C>G. VCF-style: chr17-68385076-C-G. GRCh37 (hg19) VCF-style: chr17-66381217-C-G.
Other names: c.995C>G, p.Ala332Gly (NM_001352899.2, NM_001352900.2, NM_001352901.2 and 3 more transcripts); c.992C>G, p.Ala331Gly (NM_001352903.2, NM_001352904.2, NM_001352905.2 and 2 more transcripts); c.947C>G, p.Ala316Gly (NM_001352909.2); short protein forms A316G, A332G, A331G.
Identifiers: ClinVar variation 1416220 (VCV001416220.5), dbSNP rs559442588, ClinGen allele CA8728443.